The following is an entry in ClinVar:

ClinVar aggregate classification (germline): Uncertain significance. Review status: criteria provided, multiple submitters, no conflicts (2 of 4 stars). 2 submissions from 2 submitters: Uncertain significance (2). Last evaluated 2024-01-30.

Conditions:
Donnai-Barrow syndrome. Also called: DBS/FOAR SYNDROME; FACIOOCULOACOUSTICORENAL SYNDROME. Identifiers: Orphanet 2143, MedGen C1857277, MONDO:0009104, OMIM 222448.

Allele frequency attached by ClinVar (database versions not stated): gnomAD 0.00001; gnomAD exomes 0.00001.

Submissions (2):

Fulgent Genetics
Classification: Uncertain significance for Donnai-Barrow syndrome. Last evaluated: 2024-01-30. Review status: criteria provided, single submitter. Criteria: ACMG Guidelines, 2015. Collection method: clinical testing. Allele origin: germline.

Labcorp Genetics (formerly Invitae), Labcorp
Classification: Uncertain significance. Last evaluated: 2023-10-02. Review status: criteria provided, single submitter. Criteria: Invitae Variant Classification Sherloc (09022015). Collection method: clinical testing. Allele origin: germline.
Comment: This sequence change replaces histidine, which is basic and polar, with tyrosine, which is neutral and polar, at codon 261 of the LRP2 protein (p.His261Tyr). This variant is present in population databases (no rsID available, gnomAD 0.0008%). This variant has not been reported in the literature in individuals affected with LRP2-related conditions. ClinVar contains an entry for this variant (Variation ID: 2154182). Advanced modeling of protein sequence and biophysical properties (such as structural, functional, and spatial information, amino acid conservation, physicochemical variation, residue mobility, and thermodynamic stability) performed at Invitae indicates that this missense variant is not expected to disrupt LRP2 protein function. In summary, the available evidence is currently insufficient to determine the role of this variant in disease. Therefore, it has been classified as a Variant of Uncertain Significance.

NM_004525.3(LRP2):c.781C>T (p.His261Tyr)

Gene: LRP2 (LDL receptor related protein 2; minus strand). Cytogenetic location: 2q31.1.
Variant type: single nucleotide variant.
Coding change: c.781C>T on transcript NM_004525.3 (MANE Select); coding-DNA position 781, C replaced by T.
Protein change: p.His261Tyr; replaces histidine 261 with tyrosine.
Molecular consequence: missense variant.
Genome position (GRCh38, 1-based): chr2:169,290,986, G>A on the plus strand (C>T on the coding strand, the complement: LRP2 is on the minus strand). VCF-style: chr2-169290986-G-A. GRCh37 (hg19) VCF-style: chr2-170147496-G-A.
Other names: short protein forms H261Y.
Identifiers: ClinVar variation 2154182 (VCV002154182.3), dbSNP rs1161140404, ClinGen allele CA349158493.